The following is an entry in ClinVar:

NM_004415.4(DSP):c.2958G>T (p.Gln986His)

Gene: DSP (desmoplakin; plus strand). Cytogenetic location: 6p24.3.
Variant type: single nucleotide variant.
Coding change: c.2958G>T on transcript NM_004415.4 (MANE Select); coding-DNA position 2958, G replaced by T.
Protein change: p.Gln986His; replaces glutamine 986 with histidine.
Molecular consequence: missense variant.
Genome position (GRCh38, 1-based): chr6:7,577,859, G>T. VCF-style: chr6-7577859-G-T. GRCh37 (hg19) VCF-style: chr6-7578092-G-T.
Other names: c.2958G>T (LRG_423t1); c.2958G>T, p.Gln986His (NM_001008844.3, NM_001319034.2); short protein forms Q986H.
Identifiers: ClinVar variation 191637 (VCV000191637.3), dbSNP rs786205415, ClinGen allele CA005684.

ClinVar aggregate classification (germline): Uncertain significance. Review status: criteria provided, multiple submitters, no conflicts (2 of 4 stars). 2 submissions from 2 submitters: Uncertain significance (2). Last evaluated 2021-02-18.

Conditions:
Cardiovascular phenotype. Identifiers: MedGen CN230736.

Allele frequency attached by ClinVar (database versions not stated): gnomAD exomes below 0.00001; TOPMed below 0.00001.
gnomAD v4.1: 4 of 1,614,094 alleles (0.00025%); highest among the groups gnomAD compares: Non-Finnish European, 0.00034%; no homozygotes.

Submissions (2):

Ambry Genetics
Classification: Uncertain significance for Cardiovascular phenotype. Last evaluated: 2021-02-18. Review status: criteria provided, single submitter. Criteria: Ambry Variant Classification Scheme 2023. Collection method: clinical testing. Allele origin: germline.
Comment: The p.Q986H variant (also known as c.2958G>T), located in coding exon 21 of the DSP gene, results from a G to T substitution at nucleotide position 2958. The glutamine at codon 986 is replaced by histidine, an amino acid with highly similar properties. This alteration has been reported as a secondary cardiac variant in an exome cohort; however, clinical details are limited (Ng D et al. Circ Cardiovasc Genet, 2013 Aug;6:337-46). This amino acid position is highly conserved in available vertebrate species. In addition, this alteration is predicted to be deleterious by in silico analysis. Since supporting evidence is limited at this time, the clinical significance of this alteration remains unclear.

Biesecker Lab/Clinical Genomics Section, National Institutes of Health
Classification: Uncertain significance. Last evaluated: 2013-06-24. Review status: criteria provided, single submitter. Criteria: Ng et al. (Circ Cardiovasc Genet. 2013). Collection method: research. Allele origin: unknown. Observed: 1 variant allele. Study: ClinSeq.
Comment: The study set was not selected for affection status in relation to any cancer. Pathogenicity categories were based on literature curation. See Pubmed ID:23861362 for details.

Medical sequencing

Literature cited by the submitters: PubMed 23861362 (cited by Ambry Genetics).